The following is an entry in ClinVar:

NM_000263.4(NAGLU):c.2026C>T (p.Arg676Trp)

Gene: NAGLU (N-acetyl-alpha-glucosaminidase; plus strand). Cytogenetic location: 17q21.2.
Variant type: single nucleotide variant.
Coding change: c.2026C>T on transcript NM_000263.4 (MANE Select); coding-DNA position 2026, C replaced by T.
Protein change: p.Arg676Trp; replaces arginine 676 with tryptophan.
Molecular consequence: missense variant.
Genome position (GRCh38, 1-based): chr17:42,544,032, C>T. VCF-style: chr17-42544032-C-T. GRCh37 (hg19) VCF-style: chr17-40696050-C-T.
Other names: short protein forms R676W.
Identifiers: ClinVar variation 891694 (VCV000891694.8), dbSNP rs774918711, ClinGen allele CA8577131.

ClinVar aggregate classification (germline): Uncertain significance. Review status: criteria provided, multiple submitters, no conflicts (2 of 4 stars). 2 submissions from 2 submitters: Uncertain significance (2). Last evaluated 2022-09-13.

Conditions:
Mucopolysaccharidosis, MPS-III-B (MPS3B). Also called: MUCOPOLYSACCHARIDOSIS, TYPE IIIB; N-ACETYL-ALPHA-D-GLUCOSAMINIDASE DEFICIENCY; NAGLU DEFICIENCY; SANFILIPPO SYNDROME B; MPS III B; Mucopolysaccharidosis type IIIB (Sanfilippo B). Identifiers: Orphanet 79270, MedGen C0086648, MONDO:0009656, OMIM 252920.
Charcot-Marie-Tooth disease axonal type 2V. Also called: CHARCOT-MARIE-TOOTH NEUROPATHY, TYPE 2V; CHARCOT-MARIE-TOOTH DISEASE, AXONAL, AUTOSOMAL DOMINANT, TYPE 2V. Identifiers: Orphanet 447964, MedGen C5569050, MONDO:0014665, OMIM 616491.

Allele frequency attached by ClinVar (database versions not stated): gnomAD exomes below 0.00001; gnomAD 0.00001; TOPMed 0.00001; ExAC 0.00001.
gnomAD v4.1: 10 of 1,611,872 alleles (0.00062%); highest among the groups gnomAD compares: East Asian, 0.0022%; no homozygotes.

Submissions (2):

Labcorp Genetics (formerly Invitae), Labcorp
Classification: Uncertain significance for Charcot-Marie-Tooth disease axonal type 2V; Mucopolysaccharidosis, MPS-III-B. Last evaluated: 2022-09-13. Review status: criteria provided, single submitter. Criteria: Invitae Variant Classification Sherloc (09022015). Collection method: clinical testing. Allele origin: germline.
Comment: This sequence change replaces arginine, which is basic and polar, with tryptophan, which is neutral and slightly polar, at codon 676 of the NAGLU protein (p.Arg676Trp). The frequency data for this variant in the population databases is considered unreliable, as metrics indicate poor data quality at this position in the gnomAD database. This variant has not been reported in the literature in individuals affected with NAGLU-related conditions. ClinVar contains an entry for this variant (Variation ID: 891694). Advanced modeling of protein sequence and biophysical properties (such as structural, functional, and spatial information, amino acid conservation, physicochemical variation, residue mobility, and thermodynamic stability) has been performed at Invitae for this missense variant, however the output from this modeling did not meet the statistical confidence thresholds required to predict the impact of this variant on NAGLU protein function. In summary, the available evidence is currently insufficient to determine the role of this variant in disease. Therefore, it has been classified as a Variant of Uncertain Significance.

Illumina Laboratory Services, Illumina
Classification: Uncertain significance for Mucopolysaccharidosis, MPS-III-B. Last evaluated: 2017-04-27. Review status: criteria provided, single submitter. Criteria: ICSL Variant Classification Criteria 13 December 2019. Collection method: clinical testing. Allele origin: germline.